The following is an entry in ClinVar:

NM_001793.6(CDH3):c.1609A>G (p.Thr537Ala)

Gene: CDH3 (cadherin 3; plus strand). Cytogenetic location: 16q22.1.
Variant type: single nucleotide variant.
Coding change: c.1609A>G on transcript NM_001793.6 (MANE Select); coding-DNA position 1609, A replaced by G.
Protein change: p.Thr537Ala; replaces threonine 537 with alanine.
Molecular consequence: missense variant.
Genome position (GRCh38, 1-based): chr16:68,687,550, A>G. VCF-style: chr16-68687550-A-G. GRCh37 (hg19) VCF-style: chr16-68721453-A-G.
Other names: c.1609A>G, p.Thr537Ala (NM_001317195.3); c.1444A>G, p.Thr482Ala (NM_001317196.2); short protein forms T537A, T482A.
Identifiers: ClinVar variation 1497249 (VCV001497249.6), dbSNP rs1355330494, ClinGen allele CA396454647.

ClinVar aggregate classification (germline): Uncertain significance (1 of 4 stars; one submission).

Allele frequency attached by ClinVar (database versions not stated): gnomAD exomes below 0.00001.
gnomAD v4.1: 1 of 1,614,120 alleles (0.000062%); highest among the groups gnomAD compares: Non-Finnish European, 0.000085%; no homozygotes.

Submission:

Labcorp Genetics (formerly Invitae), Labcorp
Classification: Uncertain significance. Last evaluated: 2021-11-05. Review status: criteria provided, single submitter. Criteria: Invitae Variant Classification Sherloc (09022015). Collection method: clinical testing. Allele origin: germline.
Comment: This sequence change replaces threonine, which is neutral and polar, with alanine, which is neutral and non-polar, at codon 537 of the CDH3 protein (p.Thr537Ala). In summary, the available evidence is currently insufficient to determine the role of this variant in disease. Therefore, it has been classified as a Variant of Uncertain Significance. Algorithms developed to predict the effect of missense changes on protein structure and function are either unavailable or do not agree on the potential impact of this missense change (SIFT: "Not Available"; PolyPhen-2: "Probably Damaging"; Align-GVGD: "Not Available"). This variant has not been reported in the literature in individuals affected with CDH3-related conditions. This variant is not present in population databases (gnomAD no frequency).